The following is an entry in ClinVar:

ClinVar aggregate classification (germline): Uncertain significance (1 of 4 stars; one submission).

Allele frequency attached by ClinVar (database versions not stated): gnomAD exomes 0.00001; TOPMed 0.00005; ExAC 0.00001; gnomAD 0.00001.
gnomAD v4.1: 10 of 1,614,074 alleles (0.00062%); highest among the groups gnomAD compares: African/African-American, 0.0067%; no homozygotes.

Submission:

Labcorp Genetics (formerly Invitae), Labcorp
Classification: Uncertain significance. Last evaluated: 2024-02-05. Review status: criteria provided, single submitter. Criteria: Invitae Variant Classification Sherloc (09022015). Collection method: clinical testing. Allele origin: germline.
Comment: This sequence change replaces valine, which is neutral and non-polar, with leucine, which is neutral and non-polar, at codon 921 of the DSG1 protein (p.Val921Leu). This variant is present in population databases (rs778574407, gnomAD 0.01%). This variant has not been reported in the literature in individuals affected with DSG1-related conditions. ClinVar contains an entry for this variant (Variation ID: 1953263). An algorithm developed to predict the effect of missense changes on protein structure and function (PolyPhen-2) suggests that this variant is likely to be disruptive. In summary, the available evidence is currently insufficient to determine the role of this variant in disease. Therefore, it has been classified as a Variant of Uncertain Significance.

NM_001942.4(DSG1):c.2761G>T (p.Val921Leu)

Genes: DSG1 (desmoglein 1; plus strand), DSG1-AS1 (DSG1 antisense RNA 1; minus strand). Cytogenetic location: 18q12.1.
Variant type: single nucleotide variant.
Coding change: c.2761G>T on transcript NM_001942.4 (MANE Select); coding-DNA position 2761, G replaced by T.
Protein change: p.Val921Leu; replaces valine 921 with leucine.
Molecular consequence: missense variant.
Genome position (GRCh38, 1-based): chr18:31,354,957, G>T. VCF-style: chr18-31354957-G-T. GRCh37 (hg19) VCF-style: chr18-28934920-G-T.
Other names: short protein forms V921L.
Identifiers: ClinVar variation 1953263 (VCV001953263.5), dbSNP rs778574407, ClinGen allele CA8926438.